The following is an entry in ClinVar:

ClinVar aggregate classification (germline): Uncertain significance. Review status: criteria provided, multiple submitters, no conflicts (2 of 4 stars). 2 submissions from 2 submitters: Uncertain significance (2). Last evaluated 2024-06-21.

Conditions:
Inborn genetic diseases. Identifiers: MedGen C0950123, MeSH D030342.

Allele frequency attached by ClinVar (database versions not stated): TOPMed below 0.00001; gnomAD 0.00001; gnomAD exomes 0.00001.
gnomAD v4.1: 11 of 1,613,646 alleles (0.00068%); highest among the groups gnomAD compares: Non-Finnish European, 0.00093%; no homozygotes.

Submissions (2):

GeneDx
Classification: Uncertain significance. Last evaluated: 2024-06-21. Review status: criteria provided, single submitter. Criteria: GeneDx Variant Classification Process June 2021. Collection method: clinical testing. Allele origin: germline. Affected: yes.
Comment: Not observed at significant frequency in large population cohorts (gnomAD); In silico analysis supports that this missense variant has a deleterious effect on protein structure/function; Has not been previously published as pathogenic or benign to our knowledge; In silico analysis suggests this variant may impact gene splicing. In the absence of RNA/functional studies, the actual effect of this sequence change is unknown.

Ambry Genetics
Classification: Uncertain significance for Inborn genetic diseases. Last evaluated: 2023-04-01. Review status: criteria provided, single submitter. Criteria: Ambry Variant Classification Scheme 2023. Collection method: clinical testing. Allele origin: germline.
Comment: The p.E29G variant (also known as c.86A>G), located in coding exon 1 of the RAD51 gene, results from an A to G substitution at nucleotide position 86. The glutamic acid at codon 29 is replaced by glycine, an amino acid with similar properties. This amino acid position is conserved. In addition, the in silico prediction for this alteration is inconclusive. Since supporting evidence is limited at this time, the clinical significance of this alteration remains unclear.

NM_002875.5(RAD51):c.86A>G (p.Glu29Gly)

Gene: RAD51 (RAD51 recombinase; plus strand). Cytogenetic location: 15q15.1.
Variant type: single nucleotide variant.
Coding change: c.86A>G on transcript NM_002875.5 (MANE Select); coding-DNA position 86, A replaced by G.
Protein change: p.Glu29Gly; replaces glutamic acid 29 with glycine.
Molecular consequence: missense variant.
Genome position (GRCh38, 1-based): chr15:40,698,844, A>G. VCF-style: chr15-40698844-A-G. GRCh37 (hg19) VCF-style: chr15-40991042-A-G.
Other names: c.86A>G, p.Glu29Gly (NM_001164269.2, NM_001164270.2, NM_133487.4); short protein forms E29G.
Identifiers: ClinVar variation 2560843 (VCV002560843.3), dbSNP rs1489593050, ClinGen allele CA391744584.